The following is an entry in ClinVar:

ClinVar aggregate classification (germline): Uncertain significance (1 of 4 stars; one submission).

Allele frequency attached by ClinVar (database versions not stated): gnomAD 0.00001; gnomAD exomes 0.00001; TOPMed 0.00002; ESP Exome Variant Server 0.00008.
gnomAD v4.1: 22 of 1,552,432 alleles (0.0014%); highest among the groups gnomAD compares: Admixed American, 0.0097%; no homozygotes.

Submission:

Labcorp Genetics (formerly Invitae), Labcorp
Classification: Uncertain significance. Last evaluated: 2022-07-08. Review status: criteria provided, single submitter. Criteria: Invitae Variant Classification Sherloc (09022015). Collection method: clinical testing. Allele origin: germline.
Comment: This sequence change falls in intron 3 of the VAC14 gene. It does not directly change the encoded amino acid sequence of the VAC14 protein. It affects a nucleotide within the consensus splice site. This variant is present in population databases (rs373890747, gnomAD 0.008%). This variant has not been reported in the literature in individuals affected with VAC14-related conditions. Variants that disrupt the consensus splice site are a relatively common cause of aberrant splicing (PMID: 17576681, 9536098). Algorithms developed to predict the effect of sequence changes on RNA splicing suggest that this variant is not likely to affect RNA splicing. In summary, the available evidence is currently insufficient to determine the role of this variant in disease. Therefore, it has been classified as a Variant of Uncertain Significance.

Literature cited by the submitters: PubMed 17576681; PubMed 9536098.

NM_018052.5(VAC14):c.423+5C>T

Gene: VAC14 (VAC14 component of PIKFYVE complex; minus strand). Cytogenetic location: 16q22.1.
Variant type: single nucleotide variant.
Coding change: c.423+5C>T on transcript NM_018052.5 (MANE Select); 5 bases into the intron after coding-DNA position 423, C replaced by T.
Molecular consequence: intron variant.
Genome position (GRCh38, 1-based): chr16:70,785,697, G>A on the plus strand (C>T on the coding strand, the complement: VAC14 is on the minus strand). VCF-style: chr16-70785697-G-A. GRCh37 (hg19) VCF-style: chr16-70819600-G-A.
Other names: c.-280+5C>T (NM_001351157.2).
Identifiers: ClinVar variation 2413773 (VCV002413773.3), dbSNP rs373890747, ClinGen allele CA8148108.